The following is an entry in ClinVar:

ClinVar aggregate classification (germline): Uncertain significance (1 of 4 stars; one submission).

gnomAD v4.1: 7 of 1,614,092 alleles (0.00043%); highest among the groups gnomAD compares: African/African-American, 0.0027%; no homozygotes.

Submission:

Labcorp Genetics (formerly Invitae), Labcorp
Classification: Uncertain significance. Last evaluated: 2025-06-12. Review status: criteria provided, single submitter. Criteria: Invitae Variant Classification Sherloc (09022015). Collection method: clinical testing. Allele origin: germline.
Comment: This sequence change replaces arginine, which is basic and polar, with histidine, which is basic and polar, at codon 3123 of the SRCAP protein (p.Arg3123His). This variant is present in population databases (no rsID available, gnomAD 0.0009%). This variant has not been reported in the literature in individuals affected with SRCAP-related conditions. Invitae Evidence Modeling of protein sequence and biophysical properties (such as structural, functional, and spatial information, amino acid conservation, physicochemical variation, residue mobility, and thermodynamic stability) indicates that this missense variant is not expected to disrupt SRCAP protein function with a negative predictive value of 80%. In summary, the available evidence is currently insufficient to determine the role of this variant in disease. Therefore, it has been classified as a Variant of Uncertain Significance.

NM_006662.3(SRCAP):c.9368G>A (p.Arg3123His)

Gene: SRCAP (Snf2 related CREBBP activator protein; plus strand). Cytogenetic location: 16p11.2.
Variant type: single nucleotide variant.
Coding change: c.9368G>A on transcript NM_006662.3 (MANE Select); coding-DNA position 9368, G replaced by A.
Protein change: p.Arg3123His; replaces arginine 3123 with histidine.
Molecular consequence: missense variant.
Genome position (GRCh38, 1-based): chr16:30,739,408, G>A. VCF-style: chr16-30739408-G-A. GRCh37 (hg19) VCF-style: chr16-30750729-G-A.
Other names: short protein forms R3123H.
Identifiers: ClinVar variation 4690325 (VCV004690325.1).